The following is an entry in ClinVar:

ClinVar aggregate classification (germline): Benign/Likely benign. Review status: criteria provided, multiple submitters, no conflicts (2 of 4 stars). 21 submissions from 21 submitters: Benign (7); Likely benign (8). 6 of the submissions do not count toward it. Last evaluated 2026-10-01.

Conditions:
DSC2-related disorder. Also called: DSC2-related condition.
Cardiomyopathy (CMYO). Also called: Cardiomyopathies. Identifiers: Orphanet 167848, MedGen C0878544, MONDO:0004994, HP:0001638. Inheritance: Various modes of inheritance.
Arrhythmogenic right ventricular dysplasia 11. Also called: Arrhythmogenic right ventricular dysplasia 11 with mild palmoplantar keratoderma and woolly hair; Arrhythmogenic Right Ventricular Dysplasia/Cardiomyopathy11; ARRHYTHMOGENIC RIGHT VENTRICULAR DYSPLASIA, FAMILIAL, 11. Identifiers: MedGen C1864850, MONDO:0012506, OMIM 610476.

Allele frequency attached by ClinVar (database versions not stated): TOPMed 0.00287; 1000 Genomes Project 30x 0.00016; ESP Exome Variant Server 0.00300; 1000 Genomes Project 0.00020.
gnomAD v4.1: 5,314 of 1,614,090 alleles (0.33%); highest among the groups gnomAD compares: Middle Eastern, 0.51%; 11 homozygotes.

Submissions (26):

CeGaT Center for Human Genetics Tuebingen
Classification: Likely benign. Last evaluated: 2026-10-01. Review status: criteria provided, single submitter. Criteria: CeGaT Center For Human Genetics Tuebingen Variant Classification Criteria Version 2. Collection method: clinical testing. Allele origin: germline. Affected: yes. Observed: 59 variant alleles.
Comment: DSC2: BP4, BP7

Labcorp Genetics (formerly Invitae), Labcorp
Classification: Benign for Arrhythmogenic right ventricular dysplasia 11. Last evaluated: 2026-02-03. Review status: criteria provided, single submitter. Criteria: Invitae Variant Classification Sherloc (09022015). Collection method: clinical testing. Allele origin: germline.

ARUP Laboratories, Molecular Genetics and Genomics, ARUP Laboratories
Classification: Benign. Last evaluated: 2025-06-25. Review status: criteria provided, single submitter. Criteria: ARUP Molecular Germline Variant Investigation Process 2024. Collection method: clinical testing. Allele origin: germline.

Molecular Diagnostic Laboratory for Inherited Cardiovascular Disease, Montreal Heart Institute
Classification: Benign. Last evaluated: 2025-04-09. Review status: criteria provided, single submitter. Criteria: ACMG Guidelines, 2015. Collection method: clinical testing. Allele origin: germline. Affected: no.

Blueprint Genetics
Classification: Likely benign. Last evaluated: 2024-11-21. Review status: criteria provided, single submitter. Criteria: ACMG Guidelines, 2015. Collection method: clinical testing. Allele origin: germline.

Mayo Clinic Laboratories, Mayo Clinic
Classification: Likely benign. Last evaluated: 2024-11-07. Review status: criteria provided, single submitter. Criteria: ACMG Guidelines, 2015. Collection method: clinical testing. Allele origin: germline. Observed: 5 variant alleles.
Comment: BS1, BP4, BP7

Fulgent Genetics
Classification: Likely benign for Arrhythmogenic right ventricular dysplasia 11. Last evaluated: 2021-07-26. Review status: criteria provided, single submitter. Criteria: ACMG Guidelines, 2015. Collection method: clinical testing. Allele origin: unknown.

Color Diagnostics, LLC DBA Color Health
Classification: Benign for Cardiomyopathy. Last evaluated: 2018-03-08. Review status: criteria provided, single submitter. Criteria: ACMG Guidelines, 2015. Collection method: clinical testing. Allele origin: germline.

Illumina Laboratory Services, Illumina
Classification: Likely benign for Arrhythmogenic right ventricular dysplasia 11. Last evaluated: 2018-01-13. Review status: criteria provided, single submitter. Criteria: ICSL Variant Classification Criteria 13 December 2019. Collection method: clinical testing. Allele origin: germline.
Comment: This variant was observed in the ICSL laboratory as part of a predisposition screen in an ostensibly healthy population. It had not been previously curated by ICSL or reported in the Human Gene Mutation Database (HGMD: prior to June 1st, 2018), and was therefore a candidate for classification through an automated scoring system. Utilizing variant allele frequency, disease prevalence and penetrance estimates, and inheritance mode, an automated score was calculated to assess if this variant is too frequent to cause the disease. Based on the score and internal cut-off values, a variant classified as likely benign is not then subjected to further curation. The score for this variant resulted in a classification of likely benign for this disease.

CHEO Genetics Diagnostic Laboratory, Children's Hospital of Eastern Ontario
Classification: Benign for Cardiomyopathy. Last evaluated: 2017-11-24. Review status: criteria provided, single submitter. Criteria: ACMG Guidelines, 2015. Collection method: clinical testing. Allele origin: germline.

GeneDx
Classification: Benign. Last evaluated: 2016-02-12. Review status: criteria provided, single submitter. Criteria: GeneDx Variant Classification (06012015). Collection method: clinical testing. Allele origin: germline. Affected: yes.
Comment: This variant is considered likely benign or benign based on one or more of the following criteria: it is a conservative change, it occurs at a poorly conserved position in the protein, it is predicted to be benign by multiple in silico algorithms, and/or has population frequency not consistent with disease.

Clinical Genetics DNA and cytogenetics Diagnostics Lab, Erasmus MC, Erasmus Medical Center
Classification: Likely benign for Arrhythmogenic right ventricular dysplasia 11. Last evaluated: 2015-09-21. Review status: criteria provided, single submitter. Criteria: ACGS Guidelines, 2013. Collection method: clinical testing. Allele origin: germline. Affected: yes. Study: VKGL Data-share Consensus.

Genome Diagnostics Laboratory, University Medical Center Utrecht
Classification: Likely benign for Arrhythmogenic right ventricular dysplasia 11. Last evaluated: 2014-10-10. Review status: criteria provided, single submitter. Criteria: ACGS Guidelines, 2013. Collection method: clinical testing. Allele origin: germline. Affected: yes. Study: VKGL Data-share Consensus.

Laboratory for Molecular Medicine, Mass General Brigham Personalized Medicine
Classification: Benign. Last evaluated: 2012-04-04. Review status: criteria provided, single submitter. Criteria: LMM Criteria. Collection method: clinical testing. Allele origin: germline. Observed: 17 variant alleles.
Comment: Arg450Arg in Exon 10 of DSC2: This variant is not expected to have clinical sign ificance because it does not alter an amino acid residue, is not located within the splice consensus sequence and has been identified in 0.4% (26/7020) of Europ ean American chromosomes from a broad population by the NHLBI Exome Sequencing P roject (dbSNP rs144242114).

Breakthrough Genomics
Classification: Likely benign. Review status: criteria provided, single submitter. Criteria: ACMG Guidelines, 2015. Collection method: not provided. Allele origin: germline. Inheritance: Autosomal dominant inheritance. Affected: yes.

Cohesion Phenomics
Classification: Benign for Cardiomyopathy. Last evaluated: 2022-10-10. Review status: no assertion criteria provided. Criteria: ACMG Guidelines, 2015. Collection method: clinical testing. Allele origin: germline. Affected: yes. Not counted in ClinVar's aggregate classification.

PreventionGenetics, part of Exact Sciences
Classification: Benign for DSC2-related condition. Last evaluated: 2019-06-06. Review status: no assertion criteria provided. Collection method: clinical testing. Allele origin: germline. Not counted in ClinVar's aggregate classification.
Comment: This variant is classified as benign based on ACMG/AMP sequence variant interpretation guidelines (Richards et al. 2015 PMID: 25741868, with internal and published modifications).

Women's Health and Genetics/Laboratory Corporation of America, LabCorp
Classification: Benign for Cardiomyopathy. Last evaluated: 2015-10-08. Review status: no assertion criteria provided. Collection method: clinical testing. Allele origin: germline. Not counted in ClinVar's aggregate classification.

Clinical Genetics, Academic Medical Center
Classification: Benign. Review status: no assertion criteria provided. Collection method: clinical testing. Allele origin: germline. Affected: yes. Study: VKGL Data-share Consensus. Not counted in ClinVar's aggregate classification.

Diagnostic Laboratory, Department of Genetics, University Medical Center Groningen
Classification: Likely benign for Arrhythmogenic right ventricular dysplasia 11. Review status: no assertion criteria provided. Collection method: clinical testing. Allele origin: germline. Affected: yes. Study: VKGL Data-share Consensus. Not counted in ClinVar's aggregate classification.

Dr. Peter K. Rogan Lab, Western University
No classification provided (evidence only). Condition: Clear cell carcinoma of kidney. Review status: no classification provided. Collection method: in vitro. Allele origin: not applicable. Functional consequence: retained intron. Not counted in ClinVar's aggregate classification.

Dr. Peter K. Rogan Lab, Western University
No classification provided (evidence only). Condition: Thyroid cancer, nonmedullary, 1. Review status: no classification provided. Collection method: in vitro. Allele origin: not applicable. Functional consequence: retained intron. Not counted in ClinVar's aggregate classification.

Dr. Peter K. Rogan Lab, Western University
No classification provided (evidence only). Condition: Uterine corpus endometrial carcinoma. Review status: no classification provided. Collection method: in vitro. Allele origin: not applicable. Functional consequence: retained intron. Not counted in ClinVar's aggregate classification.

Dr. Peter K. Rogan Lab, Western University
No classification provided (evidence only). Condition: Uterine corpus endometrial carcinoma. Review status: no classification provided. Collection method: in vitro. Allele origin: not applicable. Functional consequence: retained intron. Not counted in ClinVar's aggregate classification.

Dr. Peter K. Rogan Lab, Western University
No classification provided (evidence only). Condition: Ovarian serous cystadenocarcinoma. Review status: no classification provided. Collection method: in vitro. Allele origin: not applicable. Functional consequence: retained intron. Not counted in ClinVar's aggregate classification.

Joint Genome Diagnostic Labs from Nijmegen and Maastricht, Radboudumc and MUMC+
Classification: Benign. Review status: no assertion criteria provided. Collection method: clinical testing. Allele origin: germline. Affected: yes. Study: VKGL Data-share Consensus. Not counted in ClinVar's aggregate classification.

NM_024422.6(DSC2):c.1350A>G (p.Arg450=)

Gene: DSC2 (desmocollin 2; minus strand). Cytogenetic location: 18q12.1.
Variant type: single nucleotide variant.
Coding change: c.1350A>G on transcript NM_024422.6 (MANE Select); coding-DNA position 1350, A replaced by G.
Protein change: p.Arg450=; no amino-acid change (arginine 450 retained).
Molecular consequence: synonymous variant.
Genome position (GRCh38, 1-based): chr18:31,080,266, T>C on the plus strand (A>G on the coding strand, the complement: DSC2 is on the minus strand). VCF-style: chr18-31080266-T-C. GRCh37 (hg19) VCF-style: chr18-28660232-T-C.
Other names: p.R450R:AGA>AGG; p.Arg450=; c.1350A>G, p.Arg450= (NM_004949.5).
Identifiers: ClinVar variation 36004 (VCV000036004.80), dbSNP rs144242114, ClinGen allele CA022454.